The following is an entry in ClinVar:

NC_000017.11:g.(?_31342999)_(31374165_?)del

Gene: NF1 (neurofibromin 1; plus strand). Cytogenetic location: 17q11.2.
Variant type: Deletion.
Identifiers: ClinVar variation 833495 (VCV000833495.1).

ClinVar aggregate classification (germline): Pathogenic (1 of 4 stars; one submission).

Conditions:
Neurofibromatosis, type 1 (NF1). Also called: Peripheral type neurofibromatosis; Neurofibromatosis, type I; VON RECKLINGHAUSEN DISEASE; NEUROFIBROMATOSIS, TYPE I, SOMATIC. Identifiers: Orphanet 636, MedGen C0027831, MONDO:0018975, OMIM 162200. Disease mechanism: loss of function.

Submission:

Labcorp Genetics (formerly Invitae), Labcorp
Classification: Pathogenic for Neurofibromatosis, type 1. Last evaluated: 2019-03-28. Review status: criteria provided, single submitter. Criteria: Invitae Variant Classification Sherloc (09022015). Collection method: clinical testing. Allele origin: germline.
Comment: This variant is a gross deletion of the genomic region encompassing exons 47-57 of the NF1 gene. The 5' boundary is likely confined to intron 46. The 3' end of this event is unknown as it extends through the termination codon beyond the assayed region for this gene and may encompass additional genes. While this deletion is not anticipated to result in nonsense mediated decay, it is expected to create a truncated protein product or disrupt mRNA translation. This variant has not been reported in the literature in individuals with NF1-related conditions. Sub-genic deletion of exon 51 has been determined to be pathogenic (PMID: 26189818). Therefore, deletions that fully encompass that region are also expected to be pathogenic. For these reasons, this variant has been classified as Pathogenic.

Literature cited by the submitters: PubMed 26189818.